The following is an entry in ClinVar:

NM_000937.5(POLR2A):c.1663C>T (p.Leu555=)

Gene: POLR2A (RNA polymerase II subunit A; plus strand). Cytogenetic location: 17p13.1.
Variant type: single nucleotide variant.
Coding change: c.1663C>T on transcript NM_000937.5 (MANE Select); coding-DNA position 1663, C replaced by T.
Protein change: p.Leu555=; no amino-acid change (leucine 555 retained).
Molecular consequence: synonymous variant.
Genome position (GRCh38, 1-based): chr17:7,499,483, C>T. VCF-style: chr17-7499483-C-T. GRCh37 (hg19) VCF-style: chr17-7402802-C-T.
Identifiers: ClinVar variation 3341657 (VCV003341657.16).

ClinVar aggregate classification (germline): Likely benign (1 of 4 stars; one submission).

Submission:

CeGaT Center for Human Genetics Tuebingen
Classification: Likely benign. Last evaluated: 2024-08-01. Review status: criteria provided, single submitter. Criteria: CeGaT Center For Human Genetics Tuebingen Variant Classification Criteria Version 2. Collection method: clinical testing. Allele origin: germline. Affected: yes. Observed: 1 variant allele.
Comment: POLR2A: BP4, BP7